The following is an entry in ClinVar:

ClinVar aggregate classification (germline): Uncertain significance (1 of 4 stars; one submission).

Allele frequency attached by ClinVar (database versions not stated): gnomAD exomes 0.00001; TOPMed 0.00001; gnomAD 0.00003.
gnomAD v4.1: 19 of 1,613,974 alleles (0.0012%); highest among the groups gnomAD compares: African/African-American, 0.004%; no homozygotes.

Submission:

Labcorp Genetics (formerly Invitae), Labcorp
Classification: Uncertain significance. Last evaluated: 2023-12-09. Review status: criteria provided, single submitter. Criteria: Invitae Variant Classification Sherloc (09022015). Collection method: clinical testing. Allele origin: germline.
Comment: This sequence change replaces arginine, which is basic and polar, with cysteine, which is neutral and slightly polar, at codon 46 of the ADGRE2 protein (p.Arg46Cys). This variant is present in population databases (no rsID available, gnomAD 0.02%). This variant has not been reported in the literature in individuals affected with ADGRE2-related conditions. ClinVar contains an entry for this variant (Variation ID: 1922273). An algorithm developed to predict the effect of missense changes on protein structure and function (PolyPhen-2) suggests that this variant is likely to be disruptive. In summary, the available evidence is currently insufficient to determine the role of this variant in disease. Therefore, it has been classified as a Variant of Uncertain Significance.

NM_013447.4(ADGRE2):c.136C>T (p.Arg46Cys)

Gene: ADGRE2 (adhesion G protein-coupled receptor E2; minus strand). Cytogenetic location: 19p13.12.
Variant type: single nucleotide variant.
Coding change: c.136C>T on transcript NM_013447.4 (MANE Select); coding-DNA position 136, C replaced by T.
Protein change: p.Arg46Cys; replaces arginine 46 with cysteine.
Molecular consequence: missense variant.
Genome position (GRCh38, 1-based): chr19:14,774,001, G>A on the plus strand (C>T on the coding strand, the complement: ADGRE2 is on the minus strand). VCF-style: chr19-14774001-G-A. GRCh37 (hg19) VCF-style: chr19-14884813-G-A.
Other names: c.136C>T, p.Arg46Cys (NM_001271052.1, NM_152916.2, NM_152917.2); short protein forms R46C.
Identifiers: ClinVar variation 1922273 (VCV001922273.5), dbSNP rs928575810, ClinGen allele CA305726432.